The following is an entry in ClinVar:

ClinVar aggregate classification (germline): Likely pathogenic (1 of 4 stars; one submission).

Conditions:
Nemaline myopathy 2 (NEM2). Also called: Nemaline myopathy 2, autosomal recessive. Identifiers: MedGen C1850569, MONDO:0009725, OMIM 256030.

Submission:

Myriad Genetics, Inc.
Classification: Likely pathogenic for Nemaline myopathy 2. Last evaluated: 2022-03-17. Review status: criteria provided, single submitter. Criteria: Myriad Women's Health Autosomal Recessive and X-Linked Classification Criteria (2021). Collection method: clinical testing. Allele origin: unknown.
Comment: NM_001271208.1(NEB):c.2882G>A(W961*) is expected to be pathogenic in the context of NEB-related nemaline myopathy. This variant is predicted to lead to an abnormal or absent protein product due to the creation of a premature termination codon in NEB, a gene where loss-of-function variants are known to be pathogenic. Please note: this variant was assessed in the context of healthy population screening.

NM_001164508.2(NEB):c.2882G>A (p.Trp961Ter)

Gene: NEB (nebulin; minus strand). Cytogenetic location: 2q23.3.
Variant type: single nucleotide variant.
Coding change: c.2882G>A on transcript NM_001164508.2 (MANE Select); coding-DNA position 2882, G replaced by A.
Protein change: p.Trp961Ter; replaces tryptophan 961 with a stop codon.
Molecular consequence: nonsense.
Genome position (GRCh38, 1-based): chr2:151,682,723, C>T on the plus strand (G>A on the coding strand, the complement: NEB is on the minus strand). VCF-style: chr2-151682723-C-T. GRCh37 (hg19) VCF-style: chr2-152539237-C-T.
Other names: c.2882G>A, p.Trp961Ter (NM_001164507.2, NM_001271208.2, NM_004543.5); short protein forms W961*.
Identifiers: ClinVar variation 1725330 (VCV001725330.2), dbSNP rs2552264574, ClinGen allele CA348821563.